The following is an entry in ClinVar:

NM_006015.6(ARID1A):c.6644T>C (p.Leu2215Pro)

Gene: ARID1A (AT-rich interaction domain 1A; plus strand). Cytogenetic location: 1p36.11.
Variant type: single nucleotide variant.
Coding change: c.6644T>C on transcript NM_006015.6 (MANE Select); coding-DNA position 6644, T replaced by C.
Protein change: p.Leu2215Pro; replaces leucine 2215 with proline.
Molecular consequence: missense variant.
Genome position (GRCh38, 1-based): chr1:26,780,542, T>C. VCF-style: chr1-26780542-T-C. GRCh37 (hg19) VCF-style: chr1-27107033-T-C.
Other names: c.5993T>C, p.Leu1998Pro (NM_139135.4); short protein forms L2215P, L1998P.
Identifiers: ClinVar variation 1931886 (VCV001931886.5), dbSNP rs772207194, ClinGen allele CA707865.
Genomic context (GRCh38, chr1:26,780,542, plus strand): 5'-TCCTGGGCTTCCTAGAGGACAGCCTTGCCGCCACACAGTTCCAGCAGAGCCAGGCCAGCC[T>C]CCTCCACATGCAGAACCCACCCTTTGAGCCAACTAGTGTGGACATGATGCGGCGGGCTGC-3'
Protein context (NP_006006.3, residues 2205-2225): ATQFQQSQAS[Leu2215Pro]LHMQNPPFEP

ClinVar aggregate classification (germline): Uncertain significance (1 of 4 stars; one submission).

Allele frequency attached by ClinVar (database versions not stated): ExAC 0.00001; TOPMed 0.00001.
gnomAD v4.1: 3 of 1,614,124 alleles (0.00019%); highest among the groups gnomAD compares: Admixed American, 0.005%; no homozygotes.

Submission:

Labcorp Genetics (formerly Invitae), Labcorp
Classification: Uncertain significance. Last evaluated: 2025-09-02. Review status: criteria provided, single submitter. Criteria: Invitae Variant Classification Sherloc (09022015). Collection method: clinical testing. Allele origin: germline.
Comment: This sequence change replaces leucine, which is neutral and non-polar, with proline, which is neutral and non-polar, at codon 2215 of the ARID1A protein (p.Leu2215Pro). This variant is present in population databases (rs772207194, gnomAD 0.006%). This variant has not been reported in the literature in individuals affected with ARID1A-related conditions. ClinVar contains an entry for this variant (Variation ID: 1931886). Invitae Evidence Modeling of protein sequence and biophysical properties (such as structural, functional, and spatial information, amino acid conservation, physicochemical variation, residue mobility, and thermodynamic stability) has been performed for this missense variant. However, the output from this modeling did not meet the statistical confidence thresholds required to predict the impact of this variant on ARID1A protein function. In summary, the available evidence is currently insufficient to determine the role of this variant in disease. Therefore, it has been classified as a Variant of Uncertain Significance.